The following is an entry in ClinVar:

ClinVar aggregate classification (germline): Uncertain significance (1 of 4 stars; one submission).

Conditions:
Hereditary cancer-predisposing syndrome. Also called: Hereditary Cancer Syndrome; Hereditary neoplastic syndrome; Neoplastic Syndromes, Hereditary; Tumor predisposition. Identifiers: Orphanet 140162, MedGen C0027672, MeSH D009386, MONDO:0015356.

Submission:

Ambry Genetics
Classification: Uncertain significance for Hereditary cancer-predisposing syndrome. Last evaluated: 2022-02-21. Review status: criteria provided, single submitter. Criteria: Ambry Variant Classification Scheme 2023. Collection method: clinical testing. Allele origin: germline.
Comment: The p.I151L variant (also known as c.451A>C), located in coding exon 1 of the CDKN1B gene, results from an A to C substitution at nucleotide position 451. The isoleucine at codon 151 is replaced by leucine, an amino acid with highly similar properties. This amino acid position is conserved. In addition, this alteration is predicted to be tolerated by in silico analysis. Since supporting evidence is limited at this time, the clinical significance of this alteration remains unclear.

NM_004064.5(CDKN1B):c.451A>C (p.Ile151Leu)

Gene: CDKN1B (cyclin dependent kinase inhibitor 1B; plus strand). Cytogenetic location: 12p13.1.
Variant type: single nucleotide variant.
Coding change: c.451A>C on transcript NM_004064.5 (MANE Select); coding-DNA position 451, A replaced by C.
Protein change: p.Ile151Leu; replaces isoleucine 151 with leucine.
Molecular consequence: missense variant.
Genome position (GRCh38, 1-based): chr12:12,718,290, A>C. VCF-style: chr12-12718290-A-C. GRCh37 (hg19) VCF-style: chr12-12871224-A-C.
Other names: short protein forms I151L.
Identifiers: ClinVar variation 1741180 (VCV001741180.2), dbSNP rs2497405853, ClinGen allele CA383970851.